The following is an entry in ClinVar:

NM_000441.2(SLC26A4):c.1042G>T (p.Glu348Ter)

Gene: SLC26A4 (solute carrier family 26 member 4; plus strand). Cytogenetic location: 7q22.3.
Variant type: single nucleotide variant.
Coding change: c.1042G>T on transcript NM_000441.2 (MANE Select); coding-DNA position 1042, G replaced by T.
Protein change: p.Glu348Ter; replaces glutamic acid 348 with a stop codon.
Molecular consequence: nonsense.
Genome position (GRCh38, 1-based): chr7:107,689,093, G>T. VCF-style: chr7-107689093-G-T. GRCh37 (hg19) VCF-style: chr7-107329538-G-T.
Other names: short protein forms E348*.
Identifiers: ClinVar variation 2119529 (VCV002119529.4), dbSNP rs2535317712, ClinGen allele CA368838506.

ClinVar aggregate classification (germline): Pathogenic (1 of 4 stars; one submission).

gnomAD v4.1: 1 of 1,613,932 alleles (0.000062%); highest among the groups gnomAD compares: Non-Finnish European, 0.000085%; no homozygotes.

Submission:

Labcorp Genetics (formerly Invitae), Labcorp
Classification: Pathogenic. Last evaluated: 2022-03-29. Review status: criteria provided, single submitter. Criteria: Invitae Variant Classification Sherloc (09022015). Collection method: clinical testing. Allele origin: germline.
Comment: This sequence change creates a premature translational stop signal (p.Glu348*) in the SLC26A4 gene. It is expected to result in an absent or disrupted protein product. Loss-of-function variants in SLC26A4 are known to be pathogenic (PMID: 16283880, 25394566, 26252218, 26445815). This variant is not present in population databases (gnomAD no frequency). This variant has not been reported in the literature in individuals affected with SLC26A4-related conditions. For these reasons, this variant has been classified as Pathogenic.

Literature cited by the submitters: PubMed 16283880; PubMed 25394566; PubMed 26252218; PubMed 26445815.